The following is an entry in ClinVar:

NM_000186.4(CFH):c.3326G>A (p.Cys1109Tyr)

Gene: CFH (complement factor H; plus strand). Cytogenetic location: 1q31.3.
Variant type: single nucleotide variant.
Coding change: c.3326G>A on transcript NM_000186.4 (MANE Select); coding-DNA position 3326, G replaced by A.
Protein change: p.Cys1109Tyr; replaces cysteine 1109 with tyrosine.
Molecular consequence: missense variant.
Genome position (GRCh38, 1-based): chr1:196,745,832, G>A. VCF-style: chr1-196745832-G-A. GRCh37 (hg19) VCF-style: chr1-196714962-G-A.
Other names: p.Cys1109Tyr; short protein forms C1109Y.
Identifiers: ClinVar variation 3729118 (VCV003729118.3).

ClinVar aggregate classification (germline): Conflicting classifications of pathogenicity. Review status: criteria provided, conflicting classifications (1 of 4 stars). 2 submissions from 2 submitters: Likely pathogenic (1); Uncertain significance (1). Last evaluated 2025-09-15.

gnomAD v4.1: 1 of 1,614,072 alleles (0.000062%); highest among the groups gnomAD compares: Non-Finnish European, 0.000085%; no homozygotes.

Submissions (2):

Mayo Clinic Laboratories, Mayo Clinic
Classification: Likely pathogenic. Last evaluated: 2025-09-15. Review status: criteria provided, single submitter. Criteria: ACMG Guidelines, 2015. Collection method: clinical testing. Allele origin: germline. Observed: 2 variant alleles.
Comment: PP3_moderate, PP4, PM1, PM2_supporting

Labcorp Genetics (formerly Invitae), Labcorp
Classification: Uncertain significance. Last evaluated: 2025-01-17. Review status: criteria provided, single submitter. Criteria: Invitae Variant Classification Sherloc (09022015). Collection method: clinical testing. Allele origin: germline.
Comment: This sequence change replaces cysteine, which is neutral and slightly polar, with tyrosine, which is neutral and polar, at codon 1109 of the CFH protein (p.Cys1109Tyr). This variant is not present in population databases (gnomAD no frequency). This variant has not been reported in the literature in individuals affected with CFH-related conditions. An algorithm developed to predict the effect of missense changes on protein structure and function (PolyPhen-2) suggests that this variant is likely to be disruptive. In summary, the available evidence is currently insufficient to determine the role of this variant in disease. Therefore, it has been classified as a Variant of Uncertain Significance.

Literature cited by the submitters: PubMed 11086045 (cited by Mayo Clinic Laboratories, Mayo Clinic); PubMed 24744754 (cited by Mayo Clinic Laboratories, Mayo Clinic); PubMed 2751824 (cited by Mayo Clinic Laboratories, Mayo Clinic); PubMed 27814381 (cited by Mayo Clinic Laboratories, Mayo Clinic); PubMed 34540801 (cited by Mayo Clinic Laboratories, Mayo Clinic).